The following is an entry in ClinVar:

ClinVar aggregate classification (germline): Conflicting classifications of pathogenicity. Review status: criteria provided, conflicting classifications (1 of 4 stars). 2 submissions from 2 submitters: Uncertain significance (1); Likely benign (1). Last evaluated 2025-02-07.

Conditions:
Inborn genetic diseases. Identifiers: MedGen C0950123, MeSH D030342.
Infantile-onset X-linked spinal muscular atrophy. Also called: Spinal Muscular Atrophy, X-Linked Infantile; Spinal muscular atrophy, X-linked 2; SPINAL MUSCULAR ATROPHY, X-LINKED LETHAL INFANTILE; AMC, DISTAL, X-LINKED; ARTHROGRYPOSIS, X-LINKED, TYPE I. Identifiers: Orphanet 1145, MedGen C1844934, MONDO:0010532, OMIM 301830.

Allele frequency attached by ClinVar (database versions not stated): gnomAD exomes 0.00001.
gnomAD v4.1: 3 of 1,209,641 alleles (0.00025%); highest among the groups gnomAD compares: East Asian, 0.0089%; no homozygotes.

Submissions (2):

Ambry Genetics
Classification: Likely benign for Inborn genetic diseases. Last evaluated: 2025-02-07. Review status: criteria provided, single submitter. Criteria: Ambry Variant Classification Scheme 2023. Collection method: clinical testing. Allele origin: germline.

Labcorp Genetics (formerly Invitae), Labcorp
Classification: Uncertain significance for Infantile-onset X-linked spinal muscular atrophy. Last evaluated: 2022-07-21. Review status: criteria provided, single submitter. Criteria: Invitae Variant Classification Sherloc (09022015). Collection method: clinical testing. Allele origin: germline.
Comment: This sequence change replaces isoleucine, which is neutral and non-polar, with valine, which is neutral and non-polar, at codon 397 of the UBA1 protein (p.Ile397Val). This variant is present in population databases (no rsID available, gnomAD 0.02%). This variant has not been reported in the literature in individuals affected with UBA1-related conditions. ClinVar contains an entry for this variant (Variation ID: 938029). Algorithms developed to predict the effect of missense changes on protein structure and function output the following: SIFT: "Tolerated"; PolyPhen-2: "Benign"; Align-GVGD: "Class C0". The valine amino acid residue is found in multiple mammalian species, which suggests that this missense change does not adversely affect protein function. In summary, the available evidence is currently insufficient to determine the role of this variant in disease. Therefore, it has been classified as a Variant of Uncertain Significance.

NM_003334.4(UBA1):c.1189A>G (p.Ile397Val)

Gene: UBA1 (ubiquitin like modifier activating enzyme 1; plus strand). Cytogenetic location: Xp11.3.
Variant type: single nucleotide variant.
Coding change: c.1189A>G on transcript NM_003334.4 (MANE Select); coding-DNA position 1189, A replaced by G.
Protein change: p.Ile397Val; replaces isoleucine 397 with valine.
Molecular consequence: missense variant.
Genome position (GRCh38, 1-based): chrX:47,202,770, A>G. VCF-style: chrX-47202770-A-G. GRCh37 (hg19) VCF-style: chrX-47062169-A-G.
Other names: c.1189A>G, p.Ile397Val (NM_153280.3); short protein forms I397V.
Identifiers: ClinVar variation 938029 (VCV000938029.10), dbSNP rs1556788826, ClinGen allele CA412796535.